The following is an entry in ClinVar:

NM_004519.4(KCNQ3):c.173G>T (p.Gly58Val)

Gene: KCNQ3 (potassium voltage-gated channel subfamily Q member 3; minus strand). Cytogenetic location: 8q24.22.
Variant type: single nucleotide variant.
Coding change: c.173G>T on transcript NM_004519.4 (MANE Select); coding-DNA position 173, G replaced by T.
Protein change: p.Gly58Val; replaces glycine 58 with valine.
Molecular consequence: missense variant.
Genome position (GRCh38, 1-based): chr8:132,480,360, C>A on the plus strand (G>T on the coding strand, the complement: KCNQ3 is on the minus strand). VCF-style: chr8-132480360-C-A. GRCh37 (hg19) VCF-style: chr8-133492607-C-A.
Other names: short protein forms G58V.
Identifiers: ClinVar variation 1196914 (VCV001196914.2), dbSNP rs1822520136, ClinGen allele CA372292746.

ClinVar aggregate classification (germline): Uncertain significance (1 of 4 stars; one submission).

Allele frequency attached by ClinVar (database versions not stated): gnomAD exomes 0.00002.
gnomAD v4.1: 28 of 1,590,942 alleles (0.0018%); highest among the groups gnomAD compares: Non-Finnish European, 0.0024%; no homozygotes.

Submission:

GeneDx
Classification: Uncertain significance. Last evaluated: 2020-05-20. Review status: criteria provided, single submitter. Criteria: GeneDx Variant Classification Process June 2021. Collection method: clinical testing. Allele origin: germline. Affected: yes.
Comment: Not observed in large population cohorts (Lek et al., 2016); In silico analysis supports that this missense variant does not alter protein structure/function; Has not been previously published as pathogenic or benign to our knowledge